The following is an entry in ClinVar:

ClinVar aggregate classification (germline): Uncertain significance. Review status: criteria provided, multiple submitters, no conflicts (2 of 4 stars). 2 submissions from 2 submitters: Uncertain significance (2). Last evaluated 2024-11-11.

Conditions:
Leukocyte adhesion deficiency 3. Also called: Leukocyte adhesion deficiency, type III; INTEGRIN ACTIVATION DEFICIENCY DISEASE; LEUKOCYTE ADHESION DEFICIENCY 1 VARIANT. Identifiers: Orphanet 2968, Orphanet 99844, MedGen C2748536, MONDO:0013016, OMIM 612840.

Allele frequency attached by ClinVar (database versions not stated): gnomAD exomes 0.00001 and 0.00002; gnomAD 0.00002; TOPMed 0.00002; ExAC 0.00003.

Submissions (2):

Labcorp Genetics (formerly Invitae), Labcorp
Classification: Uncertain significance for Leukocyte adhesion deficiency 3. Last evaluated: 2024-11-11. Review status: criteria provided, single submitter. Criteria: Invitae Variant Classification Sherloc (09022015). Collection method: clinical testing. Allele origin: germline.
Comment: This sequence change replaces arginine, which is basic and polar, with histidine, which is basic and polar, at codon 129 of the FERMT3 protein (p.Arg129His). This variant is present in population databases (rs773077169, gnomAD 0.01%). This variant has not been reported in the literature in individuals affected with FERMT3-related conditions. ClinVar contains an entry for this variant (Variation ID: 575756). Invitae Evidence Modeling of protein sequence and biophysical properties (such as structural, functional, and spatial information, amino acid conservation, physicochemical variation, residue mobility, and thermodynamic stability) indicates that this missense variant is not expected to disrupt FERMT3 protein function with a negative predictive value of 80%. In summary, the available evidence is currently insufficient to determine the role of this variant in disease. Therefore, it has been classified as a Variant of Uncertain Significance.

Blueprint Genetics
Classification: Uncertain significance. Last evaluated: 2022-06-14. Review status: criteria provided, single submitter. Criteria: ACMG Guidelines, 2015. Collection method: clinical testing. Allele origin: germline.

NM_031471.6(FERMT3):c.386G>A (p.Arg129His)

Gene: FERMT3 (FERM domain containing kindlin 3; plus strand). Cytogenetic location: 11q13.1.
Variant type: single nucleotide variant.
Coding change: c.386G>A on transcript NM_031471.6 (MANE Select); coding-DNA position 386, G replaced by A.
Protein change: p.Arg129His; replaces arginine 129 with histidine.
Molecular consequence: missense variant. On other transcripts: 5 prime UTR variant (2).
Genome position (GRCh38, 1-based): chr11:64,210,836, G>A. VCF-style: chr11-64210836-G-A. GRCh37 (hg19) VCF-style: chr11-63978308-G-A.
Other names: c.386G>A, p.Arg129His (NM_001382361.1, NM_001382362.1, NM_001382448.1 and 1 more transcripts); c.-155G>A (NM_001382363.1, NM_001382364.1); short protein forms R129H.
Identifiers: ClinVar variation 575756 (VCV000575756.7), dbSNP rs773077169, ClinGen allele CA6068722.
Genomic context (GRCh38, chr11:64,210,836, plus strand): 5'-CACTGCGCCTCCGTGCCAGCTTCTCCCAGCCCCTCTTCCAGGCTGTGGCTGCCATCTGCC[G>A]CCTCCTCAGTAAGTTGCCCGGCTGATTCCCCTGGCCCACGAGGGTGATGCAAAGAGGCAG-3'
Protein context (NP_113659.3, residues 119-139): PLFQAVAAIC[Arg129His]LLSIRHPEEL